The following is an entry in ClinVar:

NM_000257.4(MYH7):c.2334C>T (p.Asp778=)

Genes: MYH7 (myosin heavy chain 7; minus strand), LOC126861898 (BRD4-independent group 4 enhancer GRCh37_chr14:23893609-23894808; plus strand). Cytogenetic location: 14q11.2.
Variant type: single nucleotide variant.
Coding change: c.2334C>T on transcript NM_000257.4 (MANE Select); coding-DNA position 2334, C replaced by T.
Protein change: p.Asp778=; no amino-acid change (aspartic acid 778 retained).
Molecular consequence: synonymous variant.
Genome position (GRCh38, 1-based): chr14:23,425,371, G>A on the plus strand (C>T on the coding strand, the complement: MYH7 is on the minus strand). VCF-style: chr14-23425371-G-A. GRCh37 (hg19) VCF-style: chr14-23894580-G-A.
Other names: p.D778D:GAC>GAT.
Identifiers: ClinVar variation 42894 (VCV000042894.74), dbSNP rs2069544, ClinGen allele CA012146.

ClinVar aggregate classification (germline): Conflicting classifications of pathogenicity. Review status: criteria provided, conflicting classifications (1 of 4 stars). 21 submissions from 18 submitters: Uncertain significance (4); Benign (2); Likely benign (10). 5 of the submissions do not count toward it. Last evaluated 2026-09-21.

Conditions:
Myosin storage myopathy (CMYO7A). Also called: MYOPATHY WITH LYSIS OF TYPE I MYOFIBRILS; MYOPATHY, HYALINE BODY, AUTOSOMAL DOMINANT; SCAPULOPERONEAL MUSCULAR DYSTROPHY; SCAPULOPERONEAL SYNDROME, MYOPATHIC TYPE; MYH7-related late-onset scapuloperoneal muscular dystrophy; Congenital myopathy 7A, myosin storage, autosomal dominant. Identifiers: Orphanet 437572, Orphanet 636965, MedGen C1842160, MONDO:0008409, OMIM 608358.
Cardiovascular phenotype. Identifiers: MedGen CN230736.
Cardiomyopathy (CMYO). Also called: Cardiomyopathies. Identifiers: Orphanet 167848, MedGen C0878544, MONDO:0004994, HP:0001638. Inheritance: Various modes of inheritance.
Dilated cardiomyopathy 1S (CMD1S). Identifiers: Orphanet 154, Orphanet 54260, MedGen C1834481, MONDO:0013262, OMIM 613426.
MYH7-related skeletal myopathy. Also called: Myopathy, distal, 1; Laing distal myopathy; MYOPATHY, DISTAL, EARLY-ONSET, AUTOSOMAL DOMINANT; MYOPATHY, LATE DISTAL HEREDITARY; Laing early-onset distal myopathy. Identifiers: Orphanet 59135, MedGen C4552004, MONDO:0008050, OMIM 160500.
Hypertrophic cardiomyopathy 1 (CMH1). Also called: Familial hypertrophic cardiomyopathy 1; MYH7-Related Familial Hypertrophic Cardiomyopathy. Identifiers: MedGen C3495498, MONDO:0008647, OMIM 192600.
Hypertrophic cardiomyopathy. Also called: HYPERTROPHIC MYOCARDIOPATHY. Identifiers: Orphanet 217569, MedGen C0007194, MeSH D002312, MONDO:0005045, HP:0001639.

Allele frequency attached by ClinVar (database versions not stated): gnomAD exomes 0.00029 and 0.00037; gnomAD 0.00032 and 0.00035; ExAC 0.00028; TOPMed 0.00034; ESP Exome Variant Server 0.00046.
gnomAD v4.1: 597 of 1,614,096 alleles (0.037%); highest among the groups gnomAD compares: Admixed American, 0.068%; 1 homozygote.

Submissions (21):

Molecular Diagnostic Laboratory for Inherited Cardiovascular Disease, Montreal Heart Institute
Classification: Likely benign. Last evaluated: 2026-09-21. Review status: criteria provided, single submitter. Criteria: ACMG Guidelines, 2015. Collection method: clinical testing. Allele origin: germline. Affected: no.
Comment: BS1;BP7

Labcorp Genetics (formerly Invitae), Labcorp
Classification: Likely benign for Hypertrophic cardiomyopathy. Last evaluated: 2026-01-24. Review status: criteria provided, single submitter. Criteria: Invitae Variant Classification Sherloc (09022015). Collection method: clinical testing. Allele origin: germline.

CeGaT Center for Human Genetics Tuebingen
Classification: Likely benign. Last evaluated: 2025-11-01. Review status: criteria provided, single submitter. Criteria: CeGaT Center For Human Genetics Tuebingen Variant Classification Criteria Version 2. Collection method: clinical testing. Allele origin: germline. Affected: yes. Observed: 4 variant alleles.
Comment: MYH7: BP4, BP7

Blueprint Genetics
Classification: Likely benign. Last evaluated: 2024-05-31. Review status: criteria provided, single submitter. Criteria: ACMG Guidelines, 2015. Collection method: clinical testing. Allele origin: germline.

ARUP Laboratories, Molecular Genetics and Genomics, ARUP Laboratories
Classification: Likely benign. Last evaluated: 2024-02-15. Review status: criteria provided, single submitter. Criteria: ARUP Molecular Germline Variant Investigation Process 2024. Collection method: clinical testing. Allele origin: germline.

All of Us Research Program, National Institutes of Health
Classification: Likely benign for Cardiomyopathy. Last evaluated: 2024-02-05. Review status: criteria provided, single submitter. Criteria: ACMG Guidelines, 2015. Collection method: clinical testing. Allele origin: germline. Inheritance: Autosomal dominant inheritance. Observed: 88 variant alleles, 88 heterozygotes.
Comment: This study involves interpretation of variants in research participants for the purpose of population health screening. Participant phenotype was not available at the time of variant classification. Additional details can be found in publication PMID: 35346344, PMCID: PMC8962531

CHEO Genetics Diagnostic Laboratory, Children's Hospital of Eastern Ontario
Classification: Likely benign for Cardiomyopathy. Last evaluated: 2019-12-11. Review status: criteria provided, single submitter. Criteria: ACMG Guidelines, 2015. Collection method: clinical testing. Allele origin: germline.

Illumina Laboratory Services, Illumina
Classification: Uncertain significance for Myosin storage myopathy. Last evaluated: 2019-08-28. Review status: criteria provided, single submitter. Criteria: ICSL Variant Classification Criteria 13 December 2019. Collection method: clinical testing. Allele origin: germline.

Illumina Laboratory Services, Illumina
Classification: Uncertain significance for Dilated cardiomyopathy 1S. Last evaluated: 2019-08-28. Review status: criteria provided, single submitter. Criteria: ICSL Variant Classification Criteria 13 December 2019. Collection method: clinical testing. Allele origin: germline.

Illumina Laboratory Services, Illumina
Classification: Benign for MYH7-related skeletal myopathy. Last evaluated: 2019-08-28. Review status: criteria provided, single submitter. Criteria: ICSL Variant Classification Criteria 13 December 2019. Collection method: clinical testing. Allele origin: germline.
Comment: This variant was observed as part of a predisposition screen in an ostensibly healthy population. A literature search was performed for the gene, cDNA change, and amino acid change (where applicable). No publications were found based on this search. Allele frequency data from public databases was too high to be consistent with this variant causing disease. Therefore, this variant is classified as benign.

Illumina Laboratory Services, Illumina
Classification: Uncertain significance for Hypertrophic cardiomyopathy 1. Last evaluated: 2019-08-28. Review status: criteria provided, single submitter. Criteria: ICSL Variant Classification Criteria 13 December 2019. Collection method: clinical testing. Allele origin: germline.

Color Diagnostics, LLC DBA Color Health
Classification: Likely benign for Cardiomyopathy. Last evaluated: 2018-03-05. Review status: criteria provided, single submitter. Criteria: ACMG Guidelines, 2015. Collection method: clinical testing. Allele origin: germline.

Ambry Genetics
Classification: Likely benign for Cardiovascular phenotype. Last evaluated: 2015-06-10. Review status: criteria provided, single submitter. Criteria: Ambry Variant Classification Scheme 2023. Collection method: clinical testing. Allele origin: germline.

Laboratory for Molecular Medicine, Mass General Brigham Personalized Medicine
Classification: Likely benign. Last evaluated: 2015-04-07. Review status: criteria provided, single submitter. Criteria: LMM Criteria. Collection method: clinical testing. Allele origin: germline. Observed: 6 variant alleles.
Comment: p.Asp778Asp in exon 21 of MYH7: This variant is not expected to have clinical si gnificance because it does not alter an amino acid residue and is not located wi thin the splice consensus sequence. It has been identified in 26/66694 European chromosomes by the Exome Aggregation Consortium (ExAC; dbSNP rs2069544).

GeneDx
Classification: Benign. Last evaluated: 2015-01-29. Review status: criteria provided, single submitter. Criteria: GeneDx Variant Classification (06012015). Collection method: clinical testing. Allele origin: germline. Affected: yes.
Comment: This variant is considered likely benign or benign based on one or more of the following criteria: it is a conservative change, it occurs at a poorly conserved position in the protein, it is predicted to be benign by multiple in silico algorithms, and/or has population frequency not consistent with disease.

Genetic Services Laboratory, University of Chicago
Classification: Uncertain significance. Last evaluated: 2014-09-19. Review status: criteria provided, single submitter. Criteria: ACMG Guidelines, 2015. Collection method: clinical testing. Allele origin: germline.

Clinical Genetics DNA and cytogenetics Diagnostics Lab, Erasmus MC, Erasmus Medical Center
Classification: Likely benign. Review status: no assertion criteria provided. Collection method: clinical testing. Allele origin: germline. Affected: yes. Study: VKGL Data-share Consensus. Not counted in ClinVar's aggregate classification.

Clinical Genetics, Academic Medical Center
Classification: Benign. Review status: no assertion criteria provided. Collection method: clinical testing. Allele origin: germline. Affected: yes. Study: VKGL Data-share Consensus. Not counted in ClinVar's aggregate classification.

Diagnostic Laboratory, Department of Genetics, University Medical Center Groningen
Classification: Likely benign. Review status: no assertion criteria provided. Collection method: clinical testing. Allele origin: germline. Affected: yes. Study: VKGL Data-share Consensus. Not counted in ClinVar's aggregate classification.

Genome Diagnostics Laboratory, University Medical Center Utrecht
Classification: Likely benign. Review status: no assertion criteria provided. Collection method: clinical testing. Allele origin: germline. Affected: yes. Study: VKGL Data-share Consensus. Not counted in ClinVar's aggregate classification.

Joint Genome Diagnostic Labs from Nijmegen and Maastricht, Radboudumc and MUMC+
Classification: Benign. Review status: no assertion criteria provided. Collection method: clinical testing. Allele origin: germline. Affected: yes. Study: VKGL Data-share Consensus. Not counted in ClinVar's aggregate classification.